The following is an entry in ClinVar:

ClinVar aggregate classification (germline): Uncertain significance (1 of 4 stars; one submission).

Submission:

Labcorp Genetics (formerly Invitae), Labcorp
Classification: Uncertain significance. Last evaluated: 2024-03-27. Review status: criteria provided, single submitter. Criteria: Invitae Variant Classification Sherloc (09022015). Collection method: clinical testing. Allele origin: germline.
Comment: This sequence change replaces alanine, which is neutral and non-polar, with valine, which is neutral and non-polar, at codon 522 of the TAOK2 protein (p.Ala522Val). This variant is not present in population databases (gnomAD no frequency). This variant has not been reported in the literature in individuals affected with TAOK2-related conditions. An algorithm developed to predict the effect of missense changes on protein structure and function (PolyPhen-2) suggests that this variant is likely to be tolerated. In summary, the available evidence is currently insufficient to determine the role of this variant in disease. Therefore, it has been classified as a Variant of Uncertain Significance.

NM_016151.4(TAOK2):c.1565C>T (p.Ala522Val)

Gene: TAOK2 (TAO kinase 2; plus strand). Cytogenetic location: 16p11.2.
Variant type: single nucleotide variant.
Coding change: c.1565C>T on transcript NM_016151.4 (MANE Select); coding-DNA position 1565, C replaced by T.
Protein change: p.Ala522Val; replaces alanine 522 with valine.
Molecular consequence: missense variant.
Genome position (GRCh38, 1-based): chr16:29,985,355, C>T. VCF-style: chr16-29985355-C-T. GRCh37 (hg19) VCF-style: chr16-29996676-C-T.
Other names: c.1565C>T, p.Ala522Val (NM_001252043.2, NM_004783.4); short protein forms A522V.
Identifiers: ClinVar variation 3647753 (VCV003647753.2).